The following is an entry in ClinVar:

NM_004304.5(ALK):c.2438A>G (p.Glu813Gly)

Gene: ALK (ALK receptor tyrosine kinase; minus strand). Cytogenetic location: 2p23.2.
Variant type: single nucleotide variant.
Coding change: c.2438A>G on transcript NM_004304.5 (MANE Select); coding-DNA position 2438, A replaced by G.
Protein change: p.Glu813Gly; replaces glutamic acid 813 with glycine.
Molecular consequence: missense variant.
Genome position (GRCh38, 1-based): chr2:29,233,614, T>C on the plus strand (A>G on the coding strand, the complement: ALK is on the minus strand). VCF-style: chr2-29233614-T-C. GRCh37 (hg19) VCF-style: chr2-29456480-T-C.
Other names: short protein forms E813G.
Identifiers: ClinVar variation 4741708 (VCV004741708.1).

ClinVar aggregate classification (germline): Uncertain significance (1 of 4 stars; one submission).

Conditions:
Neuroblastoma, susceptibility to, 3. Also called: ALK-Related Neuroblastic Tumor Susceptibility. Identifiers: Orphanet 635, MedGen C2751681, MONDO:0013083, OMIM 613014.

gnomAD v4.1: 1 of 1,614,240 alleles (0.000062%); highest among the groups gnomAD compares: South Asian, 0.0011%; no homozygotes.

Submission:

Labcorp Genetics (formerly Invitae), Labcorp
Classification: Uncertain significance for Neuroblastoma, susceptibility to, 3. Last evaluated: 2026-01-07. Review status: criteria provided, single submitter. Criteria: Invitae Variant Classification Sherloc (09022015). Collection method: clinical testing. Allele origin: germline.
Comment: This sequence change replaces glutamic acid, which is acidic and polar, with glycine, which is neutral and non-polar, at codon 813 of the ALK protein (p.Glu813Gly). This variant is present in population databases (no rsID available, gnomAD 0.003%). This variant has not been reported in the literature in individuals affected with ALK-related conditions. An algorithm developed to predict the effect of missense changes on protein structure and function (PolyPhen-2) suggests that this variant is likely to be disruptive. In summary, the available evidence is currently insufficient to determine the role of this variant in disease. Therefore, it has been classified as a Variant of Uncertain Significance.